The following is an entry in ClinVar:

NM_007294.4(BRCA1):c.4730C>T (p.Ser1577Phe)

Gene: BRCA1 (BRCA1 DNA repair associated; minus strand). Cytogenetic location: 17q21.31.
Variant type: single nucleotide variant.
Coding change: c.4730C>T on transcript NM_007294.4 (MANE Select); coding-DNA position 4730, C replaced by T.
Protein change: p.Ser1577Phe; replaces serine 1577 with phenylalanine.
Molecular consequence: missense variant. On other transcripts: non-coding transcript variant (1).
Genome position (GRCh38, 1-based): chr17:43,071,184, G>A on the plus strand (C>T on the coding strand, the complement: BRCA1 is on the minus strand). VCF-style: chr17-43071184-G-A. GRCh37 (hg19) VCF-style: chr17-41223201-G-A.
Other names: c.4649C>T, p.Ser1550Phe (NM_001407657.1, NM_001407658.1, NM_001407656.1); c.4646C>T, p.Ser1549Phe (NM_001407659.1, NM_001407660.1, NM_001407661.1 and 2 more transcripts); c.4607C>T, p.Ser1536Phe (NM_001407664.1, NM_001407665.1, NM_001407666.1 and 6 more transcripts); c.4604C>T, p.Ser1535Phe (NM_001407670.1, NM_001407671.1, NM_001407672.1 and 11 more transcripts); c.4601C>T, p.Ser1534Phe (NM_001407681.1, NM_001407682.1, NM_001407683.1 and 6 more transcripts); c.4730C>T, p.Ser1577Phe (NM_001407684.1, NM_001407854.1, NM_001407593.1 and 8 more transcripts); c.4598C>T, p.Ser1533Phe (NM_001407690.1, NM_001407691.1); c.4589C>T, p.Ser1530Phe (NM_001407692.1, NM_001407694.1, NM_001407695.1 and 13 more transcripts); and 70 more; short protein forms S1577F, S473F, S1530F, S1598F, S1423F, S1449F, S1507F, S1573F.
Identifiers: ClinVar variation 491086 (VCV000491086.14), dbSNP rs273901741, ClinGen allele CA10592046.

ClinVar aggregate classification (germline): Uncertain significance. Review status: criteria provided, multiple submitters, no conflicts (2 of 4 stars). 2 submissions from 2 submitters: Uncertain significance (2). Last evaluated 2020-08-08.

Conditions:
Hereditary cancer-predisposing syndrome. Also called: Hereditary Cancer Syndrome; Neoplastic Syndromes, Hereditary; Tumor predisposition; Hereditary neoplastic syndrome. Identifiers: Orphanet 140162, MedGen C0027672, MeSH D009386, MONDO:0015356.
Hereditary breast ovarian cancer syndrome. Also called: Breast and ovarian cancer; Hereditary breast and/or ovarian cancer syndrome; Hereditary breast and ovarian cancer; Hereditary breast and ovarian cancer syndrome (HBOC); BRCA1- and BRCA2-Associated Hereditary Breast and Ovarian Cancer; Hereditary breast and ovarian cancer syndrome. Identifiers: Orphanet 145, MedGen C0677776, MeSH D061325, MONDO:0003582. Disease mechanism: loss of function.

gnomAD v4.1: 1 of 1,614,214 alleles (0.000062%); highest among the groups gnomAD compares: South Asian, 0.0011%; no homozygotes.

Submissions (2):

Labcorp Genetics (formerly Invitae), Labcorp
Classification: Uncertain significance for Hereditary breast ovarian cancer syndrome. Last evaluated: 2020-08-08. Review status: criteria provided, single submitter. Criteria: Invitae Variant Classification Sherloc (09022015). Collection method: clinical testing. Allele origin: germline.
Comment: In summary, the available evidence is currently insufficient to determine the role of this variant in disease. Therefore, it has been classified as a Variant of Uncertain Significance. Advanced modeling of protein sequence and biophysical properties (such as structural, functional, and spatial information, amino acid conservation, physicochemical variation, residue mobility, and thermodynamic stability) performed at Invitae indicates that this missense variant is not expected to disrupt BRCA1 protein function. This variant has not been reported in the literature in individuals with BRCA1-related conditions. ClinVar contains an entry for this variant (Variation ID: 491086). This variant is not present in population databases (ExAC no frequency). This sequence change replaces serine with phenylalanine at codon 1577 of the BRCA1 protein (p.Ser1577Phe). The serine residue is moderately conserved and there is a large physicochemical difference between serine and phenylalanine.

Color Diagnostics, LLC DBA Color Health
Classification: Uncertain significance for Hereditary cancer-predisposing syndrome. Last evaluated: 2019-03-08. Review status: criteria provided, single submitter. Criteria: ACMG Guidelines, 2015. Collection method: clinical testing. Allele origin: germline.